The following is an entry in ClinVar:

NM_001845.6(COL4A1):c.2462C>T (p.Pro821Leu)

Gene: COL4A1 (collagen type IV alpha 1 chain; minus strand). Cytogenetic location: 13q34.
Variant type: single nucleotide variant.
Coding change: c.2462C>T on transcript NM_001845.6 (MANE Select); coding-DNA position 2462, C replaced by T.
Protein change: p.Pro821Leu; replaces proline 821 with leucine.
Molecular consequence: missense variant.
Genome position (GRCh38, 1-based): chr13:110,178,228, G>A on the plus strand (C>T on the coding strand, the complement: COL4A1 is on the minus strand). VCF-style: chr13-110178228-G-A. GRCh37 (hg19) VCF-style: chr13-110830575-G-A.
Other names: short protein forms P821L.
Identifiers: ClinVar variation 3901379 (VCV003901379.1).

ClinVar aggregate classification (germline): Uncertain significance (1 of 4 stars; one submission).

Submission:

GeneDx
Classification: Uncertain significance. Last evaluated: 2024-12-08. Review status: criteria provided, single submitter. Criteria: GeneDx Variant Classification Process June 2021. Collection method: clinical testing. Allele origin: germline. Affected: yes.
Comment: Not observed at significant frequency in large population cohorts (gnomAD); In silico analysis indicates that this missense variant does not alter protein structure/function; Has not been previously published as pathogenic or benign to our knowledge; Occurs in the triple helical domain at the X/ position in the canonical Gly-X-Y repeat; although this variant may have an effect on normal protein folding and function, missense substitution at the X position is not a common mechanism of disease